The following is an entry in ClinVar:

NM_001199138.2(NLRC4):c.3002G>C (p.Arg1001Thr)

Gene: NLRC4 (NLR family CARD domain containing 4; minus strand). Cytogenetic location: 2p22.3.
Variant type: single nucleotide variant.
Coding change: c.3002G>C on transcript NM_001199138.2 (MANE Select); coding-DNA position 3002, G replaced by C.
Protein change: p.Arg1001Thr; replaces arginine 1001 with threonine.
Molecular consequence: missense variant.
Genome position (GRCh38, 1-based): chr2:32,224,546, C>G on the plus strand (G>C on the coding strand, the complement: NLRC4 is on the minus strand). VCF-style: chr2-32224546-C-G. GRCh37 (hg19) VCF-style: chr2-32449615-C-G.
Other names: c.1007G>C, p.Arg336Thr (NM_001302504.2); c.3002G>C, p.Arg1001Thr (NM_021209.5, NM_001199139.2); short protein forms R1001T, R336T.
Identifiers: ClinVar variation 3763057 (VCV003763057.2).

ClinVar aggregate classification (germline): Uncertain significance (1 of 4 stars; one submission).

Conditions:
Periodic fever-infantile enterocolitis-autoinflammatory syndrome. Also called: Autoinflammation with infantile enterocolitis. Identifiers: Orphanet 436166, MedGen C4015067, MONDO:0014472, OMIM 616050.
Familial cold autoinflammatory syndrome 4 (FCAS4). Identifiers: Orphanet 47045, Orphanet 576349, MedGen C4015276, MONDO:0014498, OMIM 616115.

Submission:

Labcorp Genetics (formerly Invitae), Labcorp
Classification: Uncertain significance for Periodic fever-infantile enterocolitis-autoinflammatory syndrome; Familial cold autoinflammatory syndrome 4. Last evaluated: 2024-02-06. Review status: criteria provided, single submitter. Criteria: Invitae Variant Classification Sherloc (09022015). Collection method: clinical testing. Allele origin: germline.
Comment: This sequence change replaces arginine, which is basic and polar, with threonine, which is neutral and polar, at codon 1001 of the NLRC4 protein (p.Arg1001Thr). This variant is not present in population databases (gnomAD no frequency). This variant has not been reported in the literature in individuals affected with NLRC4-related conditions. Advanced modeling of protein sequence and biophysical properties (such as structural, functional, and spatial information, amino acid conservation, physicochemical variation, residue mobility, and thermodynamic stability) performed at Invitae indicates that this missense variant is not expected to disrupt NLRC4 protein function with a negative predictive value of 80%. In summary, the available evidence is currently insufficient to determine the role of this variant in disease. Therefore, it has been classified as a Variant of Uncertain Significance.